The following is an entry in ClinVar:

NM_001985.3(ETFB):c.375+1G>A

Gene: ETFB (electron transfer flavoprotein subunit beta; minus strand). Cytogenetic location: 19q13.41.
Variant type: single nucleotide variant.
Coding change: c.375+1G>A on transcript NM_001985.3 (MANE Select); the canonical splice donor site of the intron after coding-DNA position 375, G replaced by A.
Molecular consequence: splice donor variant.
Genome position (GRCh38, 1-based): chr19:51,353,131, C>T on the plus strand (G>A on the coding strand, the complement: ETFB is on the minus strand). VCF-style: chr19-51353131-C-T. GRCh37 (hg19) VCF-style: chr19-51856385-C-T.
Other names: c.648+1G>A (NM_001014763.1).
Identifiers: ClinVar variation 2074298 (VCV002074298.5), dbSNP rs2514153018, ClinGen allele CA407082349.

ClinVar aggregate classification (germline): Likely pathogenic. Review status: criteria provided, multiple submitters, no conflicts (2 of 4 stars). 2 submissions from 2 submitters: Likely pathogenic (2). Last evaluated 2025-06-05.

Conditions:
Multiple acyl-CoA dehydrogenase deficiency (MADD). Also called: ETHYLMALONIC-ADIPICACIDURIA; GA II; Glutaric acidemia type II; GA 2; Glutaric aciduria, type 2; Glutaric Acidemia type 2. Identifiers: Orphanet 26791, MedGen C0268596, MONDO:0009282, OMIM 231680.

Submissions (2):

Women's Health and Genetics/Laboratory Corporation of America, LabCorp
Classification: Likely pathogenic for Multiple acyl-CoA dehydrogenase deficiency. Last evaluated: 2025-06-05. Review status: criteria provided, single submitter. Criteria: LabCorp Variant Classification Summary - May 2015. Collection method: clinical testing. Allele origin: germline.
Comment: Variant summary: ETFB c.375+1G>A is located in a canonical splice-site and is predicted to affect mRNA splicing resulting in a significantly altered protein due to either exon skipping, shortening, or inclusion of intronic material. Variants that disrupt the consensus splice site are a relatively common cause of aberrant splicing and loss of ETFB function. Several computational tools predict a significant impact on normal splicing: Four predict the variant abolishes a 5' splicing donor site. However, these predictions have yet to be confirmed by functional studies. The variant was absent in 250746 control chromosomes. To our knowledge, no occurrence of c.375+1G>A in individuals affected with Glutaric Aciduria, Type 2b and no experimental evidence demonstrating its impact on protein function have been reported. ClinVar contains an entry for this variant (Variation ID: 2074298). Based on the evidence outlined above, the variant was classified as likely pathogenic.

Labcorp Genetics (formerly Invitae), Labcorp
Classification: Likely pathogenic for Multiple acyl-CoA dehydrogenase deficiency. Last evaluated: 2024-10-24. Review status: criteria provided, single submitter. Criteria: Invitae Variant Classification Sherloc (09022015). Collection method: clinical testing. Allele origin: germline.
Comment: This sequence change affects a donor splice site in intron 3 of the ETFB gene. It is expected to disrupt RNA splicing. Variants that disrupt the donor or acceptor splice site typically lead to a loss of protein function (PMID: 16199547), and loss-of-function variants in ETFB are known to be pathogenic (PMID: 16510302, 23785301). This variant is not present in population databases (gnomAD no frequency). This variant has not been reported in the literature in individuals affected with ETFB-related conditions. ClinVar contains an entry for this variant (Variation ID: 2074298). Algorithms developed to predict the effect of sequence changes on RNA splicing suggest that this variant may disrupt the consensus splice site. In summary, the currently available evidence indicates that the variant is pathogenic, but additional data are needed to prove that conclusively. Therefore, this variant has been classified as Likely Pathogenic.

Literature cited by the submitters: PubMed 16199547 (cited by Labcorp Genetics (formerly Invitae), Labcorp); PubMed 16510302 (cited by Labcorp Genetics (formerly Invitae), Labcorp); PubMed 23785301 (cited by Labcorp Genetics (formerly Invitae), Labcorp).